The following is an entry in ClinVar:

ClinVar aggregate classification (germline): Uncertain significance (1 of 4 stars; one submission).

Allele frequency attached by ClinVar (database versions not stated): ExAC 0.00001; gnomAD exomes 0.00001; TOPMed 0.00001; gnomAD 0.00002.
gnomAD v4.1: 12 of 1,613,384 alleles (0.00074%); highest among the groups gnomAD compares: Middle Eastern, 0.017%; no homozygotes.

Submission:

Labcorp Genetics (formerly Invitae), Labcorp
Classification: Uncertain significance. Last evaluated: 2022-07-09. Review status: criteria provided, single submitter. Criteria: Invitae Variant Classification Sherloc (09022015). Collection method: clinical testing. Allele origin: germline.
Comment: This sequence change replaces arginine, which is basic and polar, with histidine, which is basic and polar, at codon 732 of the ABCA3 protein (p.Arg732His). This variant is present in population databases (rs751006761, gnomAD 0.003%). This variant has not been reported in the literature in individuals affected with ABCA3-related conditions. Algorithms developed to predict the effect of missense changes on protein structure and function (SIFT, PolyPhen-2, Align-GVGD) all suggest that this variant is likely to be disruptive. In summary, the available evidence is currently insufficient to determine the role of this variant in disease. Therefore, it has been classified as a Variant of Uncertain Significance.

NM_001089.3(ABCA3):c.2195G>A (p.Arg732His)

Gene: ABCA3 (ATP binding cassette subfamily A member 3; minus strand). Cytogenetic location: 16p13.3.
Variant type: single nucleotide variant.
Coding change: c.2195G>A on transcript NM_001089.3 (MANE Select); coding-DNA position 2195, G replaced by A.
Protein change: p.Arg732His; replaces arginine 732 with histidine.
Molecular consequence: missense variant.
Genome position (GRCh38, 1-based): chr16:2,297,397, C>T on the plus strand (G>A on the coding strand, the complement: ABCA3 is on the minus strand). VCF-style: chr16-2297397-C-T. GRCh37 (hg19) VCF-style: chr16-2347398-C-T.
Other names: short protein forms R732H.
Identifiers: ClinVar variation 1910896 (VCV001910896.2), dbSNP rs751006761, ClinGen allele CA7840932.